The following is an entry in ClinVar:

ClinVar aggregate classification (germline): Uncertain significance (1 of 4 stars; one submission).

Conditions:
DiGeorge syndrome. Also called: THIRD AND FOURTH PHARYNGEAL POUCH SYNDROME; Catch22. Identifiers: Orphanet 567, MedGen C0012236, MONDO:0008564, OMIM 188400.

Submission:

Labcorp Genetics (formerly Invitae), Labcorp
Classification: Uncertain significance for DiGeorge syndrome. Last evaluated: 2022-09-19. Review status: criteria provided, single submitter. Criteria: Invitae Variant Classification Sherloc (09022015). Collection method: clinical testing. Allele origin: germline.
Comment: In summary, the available evidence is currently insufficient to determine the role of this variant in disease. Therefore, it has been classified as a Variant of Uncertain Significance. This variant has not been reported in the literature in individuals affected with TBX1-related conditions. This variant is not present in population databases (gnomAD no frequency). This variant, c.1125_1133dup, results in the insertion of 3 amino acid(s) of the TBX1 protein (p.Ala379_Gly381dup), but otherwise preserves the integrity of the reading frame.

NM_001379200.1(TBX1):c.1152_1160dup (p.Gly390_Leu391insAlaGlyGly)

Gene: TBX1 (T-box transcription factor 1; plus strand). Cytogenetic location: 22q11.21.
Variant type: Duplication.
Coding change: c.1152_1160dup on transcript NM_001379200.1 (MANE Select); coding-DNA positions 1152 to 1160, 9 bases duplicated (GGCCGGCGG; older notation c.1152_1160dupGGCCGGCGG).
Protein change: p.Gly390_Leu391insAlaGlyGly.
Molecular consequence: inframe insertion. On other transcripts: intron variant (2).
Genome position (GRCh38, 1-based): chr22:19,766,504-19,766,512, GGCCGGCGG duplicated; duplicating any 9 consecutive bases within chr22:19,766,501-19,766,512 gives the same sequence; the c. name uses the placement nearest the transcript's 3' end. VCF-style (leftmost placement, unchanged base first): chr22-19766500-C-CCGGGGCCGG. GRCh37 (hg19) VCF-style: chr22-19754023-C-CCGGGGCCGG.
Other names: c.1125_1133dup, p.Gly381_Leu382insAlaGlyGly (NM_080647.1); c.1009+502_1009+510dup (NM_005992.1, NM_080646.2).
Identifiers: ClinVar variation 2423981 (VCV002423981.6), dbSNP rs1936850465, ClinGen allele CA2396032335.